The following is an entry in ClinVar:

NM_000256.3(MYBPC3):c.1378_1379dup (p.Leu460fs)

Gene: MYBPC3 (myosin binding protein C3; minus strand). Cytogenetic location: 11p11.2.
Variant type: Duplication.
Coding change: c.1378_1379dup on transcript NM_000256.3 (MANE Select); coding-DNA positions 1378 to 1379, 2 bases duplicated (TT; older notation c.1378_1379dupTT).
Protein change: p.Leu460fs; shifts the reading frame from leucine 460.
Molecular consequence: frameshift variant.
Genome position (GRCh38, 1-based): chr11:47,342,908-47,342,909, AA duplicated on the plus strand (TT on the coding strand, the reverse complement: MYBPC3 is on the minus strand). VCF-style (leftmost placement, unchanged base first): chr11-47342907-C-CAA. GRCh37 (hg19) VCF-style: chr11-47364458-C-CAA.
Other names: short protein forms L460fs.
Identifiers: ClinVar variation 1993574 (VCV001993574.4), dbSNP rs2495763527, ClinGen allele CA2580084268.
Genomic context (GRCh38, chr11:47,342,907, plus strand): 5'-CTCCTCCGATACTTCACACTCAAACTCCACCCGCTGCCCCACCATCACCAGCTGGTCCTC[C>CAA]AAGGGGCGCGTGATGAGCACAGGGGGCTCTGTCCAGGCAGGGTGAGCATGAGGGTTGGCT-3'

ClinVar aggregate classification (germline): Pathogenic (1 of 4 stars; one submission).

Conditions:
Hypertrophic cardiomyopathy. Also called: HYPERTROPHIC MYOCARDIOPATHY. Identifiers: Orphanet 217569, MedGen C0007194, MeSH D002312, MONDO:0005045, HP:0001639.

Submission:

Labcorp Genetics (formerly Invitae), Labcorp
Classification: Pathogenic for Hypertrophic cardiomyopathy. Last evaluated: 2022-05-12. Review status: criteria provided, single submitter. Criteria: Invitae Variant Classification Sherloc (09022015). Collection method: clinical testing. Allele origin: germline.
Comment: This variant has not been reported in the literature in individuals affected with MYBPC3-related conditions. For these reasons, this variant has been classified as Pathogenic. This variant is not present in population databases (gnomAD no frequency). This sequence change creates a premature translational stop signal (p.Leu460Phefs*7) in the MYBPC3 gene. It is expected to result in an absent or disrupted protein product. Loss-of-function variants in MYBPC3 are known to be pathogenic (PMID: 19574547).

Literature cited by the submitters: PubMed 19574547.